The following is an entry in ClinVar:

ClinVar aggregate classification (germline): Likely benign. Review status: criteria provided, multiple submitters, no conflicts (2 of 4 stars). 3 submissions from 3 submitters: Likely benign (3). Last evaluated 2025-12-01.

Conditions:
RYR1-related disorder. Also called: RYR1-related disorders; RYR1-related condition. Identifiers: MedGen CN239331.

gnomAD v4.1: 30 of 1,613,430 alleles (0.0019%); highest among the groups gnomAD compares: Middle Eastern, 0.066%; no homozygotes.

Submissions (3):

CeGaT Center for Human Genetics Tuebingen
Classification: Likely benign. Last evaluated: 2025-12-01. Review status: criteria provided, single submitter. Criteria: CeGaT Center For Human Genetics Tuebingen Variant Classification Criteria Version 2. Collection method: clinical testing. Allele origin: germline. Affected: yes. Observed: 5 variant alleles.
Comment: RYR1: BP4, BP7

Labcorp Genetics (formerly Invitae), Labcorp
Classification: Likely benign for RYR1-related disorder. Last evaluated: 2024-12-31. Review status: criteria provided, single submitter. Criteria: Invitae Variant Classification Sherloc (09022015). Collection method: clinical testing. Allele origin: germline.

Blueprint Genetics
Classification: Likely benign. Last evaluated: 2024-03-14. Review status: criteria provided, single submitter. Criteria: ACMG Guidelines, 2015. Collection method: clinical testing. Allele origin: germline.

NM_000540.3(RYR1):c.5334G>A (p.Ser1778=)

Gene: RYR1 (ryanodine receptor 1; plus strand). Cytogenetic location: 19q13.2.
Variant type: single nucleotide variant.
Coding change: c.5334G>A on transcript NM_000540.3 (MANE Select); coding-DNA position 5334, G replaced by A.
Protein change: p.Ser1778=; no amino-acid change (serine 1778 retained).
Molecular consequence: synonymous variant.
Genome position (GRCh38, 1-based): chr19:38,485,989, G>A. VCF-style: chr19-38485989-G-A. GRCh37 (hg19) VCF-style: chr19-38976629-G-A.
Other names: c.5334G>A, p.Ser1778= (NM_001042723.2).
Identifiers: ClinVar variation 544531 (VCV000544531.40), dbSNP rs35566549, ClinGen allele CA066894.